The following is an entry in ClinVar:

ClinVar aggregate classification (germline): Benign/Likely benign. Review status: criteria provided, multiple submitters, no conflicts (2 of 4 stars). 4 submissions from 4 submitters: Benign (2); Likely benign (2). Last evaluated 2026-01-11.

Conditions:
Muscular dystrophy-dystroglycanopathy (congenital with brain and eye anomalies), type A, 7. Also called: WALKER-WARBURG SYNDROME OR MUSCLE-EYE-BRAIN DISEASE, ISPD-RELATED; Congenital muscular dystrophy-dystroglycanopathy with brain and eye anomalies, type A7. Identifiers: Orphanet 899, MedGen C3553330, MONDO:0013835, OMIM 614643.
Autosomal recessive limb-girdle muscular dystrophy type 2U. Also called: Muscular dystrophy-dystroglycanopathy (limb-girdle), type c, 7; MUSCULAR DYSTROPHY, LIMB-GIRDLE, TYPE 2U. Identifiers: Orphanet 352479, MedGen C5190987, MONDO:0014474, OMIM 616052.

Allele frequency attached by ClinVar (database versions not stated): gnomAD exomes 0.00016; ExAC 0.00022; ESP Exome Variant Server 0.00060; 1000 Genomes Project 30x 0.00078; 1000 Genomes Project 0.00080; gnomAD 0.00082 and 0.00088; TOPMed 0.00089.
gnomAD v4.1: 215 of 1,565,678 alleles (0.014%); highest among the groups gnomAD compares: African/African-American, 0.28%; 1 homozygote.

Submissions (4):

Labcorp Genetics (formerly Invitae), Labcorp
Classification: Benign for Muscular dystrophy-dystroglycanopathy (congenital with brain and eye anomalies), type A, 7; Autosomal recessive limb-girdle muscular dystrophy type 2U. Last evaluated: 2026-01-11. Review status: criteria provided, single submitter. Criteria: Invitae Variant Classification Sherloc (09022015). Collection method: clinical testing. Allele origin: germline.

Women's Health and Genetics/Laboratory Corporation of America, LabCorp
Classification: Benign. Last evaluated: 2025-12-26. Review status: criteria provided, single submitter. Criteria: LabCorp Variant Classification Summary - May 2015. Collection method: clinical testing. Allele origin: germline.
Comment: Variant summary: CRPPA c.1251+16A>T alters a nucleotide located at a position not widely known to affect splicing. Consensus agreement among computation tools predict no significant impact on normal splicing. However, these predictions have yet to be confirmed by functional studies. The variant allele was found at a frequency of 0.00024 in 248734 control chromosomes, predominantly at a frequency of 0.0023 within the African or African-American subpopulation in the gnomAD database. The observed variant frequency within African or African-American control individuals in the gnomAD database exceeds the estimated maximal expected allele frequency for disease-causing variants in CRPPA. To our knowledge, no occurrence of c.1251+16A>T in individuals affected with CRPPA-related conditions and no experimental evidence demonstrating its impact on protein function have been reported. ClinVar contains an entry for this variant (Variation ID: 515784). Based on the evidence outlined above, the variant was classified as benign.

Blueprint Genetics
Classification: Likely benign. Last evaluated: 2022-11-28. Review status: criteria provided, single submitter. Criteria: ACMG Guidelines, 2015. Collection method: clinical testing. Allele origin: germline.

GeneDx
Classification: Likely benign. Last evaluated: 2018-03-01. Review status: criteria provided, single submitter. Criteria: GeneDx Variant Classification (06012015). Collection method: clinical testing. Allele origin: germline. Affected: yes.
Comment: This variant is considered likely benign or benign based on one or more of the following criteria: it is a conservative change, it occurs at a poorly conserved position in the protein, it is predicted to be benign by multiple in silico algorithms, and/or has population frequency not consistent with disease.

NM_001101426.4(CRPPA):c.1251+16A>T

Genes: CRPPA (CDP-L-ribitol pyrophosphorylase A; minus strand), CRPPA-AS1 (CRPPA antisense RNA 1; plus strand). Cytogenetic location: 7p21.2.
Variant type: single nucleotide variant.
Coding change: c.1251+16A>T on transcript NM_001101426.4 (MANE Select); 16 bases into the intron after coding-DNA position 1251, A replaced by T.
Molecular consequence: intron variant.
Genome position (GRCh38, 1-based): chr7:16,216,050, T>A on the plus strand (A>T on the coding strand, the complement: CRPPA is on the minus strand). VCF-style: chr7-16216050-T-A. GRCh37 (hg19) VCF-style: chr7-16255675-T-A.
Other names: c.1101+16A>T (NM_001101417.4); c.1146+16A>T (NM_001368197.1).
Identifiers: ClinVar variation 515784 (VCV000515784.11), dbSNP rs187344556, ClinGen allele CA4169344.